The following is an entry in ClinVar:

ClinVar aggregate classification (germline): Likely pathogenic. Review status: criteria provided, multiple submitters, no conflicts (2 of 4 stars). 3 submissions from 3 submitters: Likely pathogenic (2). 1 of the submissions does not count toward it. Last evaluated 2026-06-30.

Conditions:
FLT4-related disorder. Also called: FLT4-related condition.
Hereditary lymphedema type I (LMPHM1). Also called: Nonne-Milroy disease; Congenital hereditary lymphedema; Early onset lymphedema; Hereditary lymphedema 1; Primary congenital lymphedema; Meige's disease. Identifiers: Orphanet 79452, MedGen C1704423, MONDO:0007919, OMIM 153100.

Submissions (3):

PreventionGenetics, part of Exact Sciences
Classification: Likely pathogenic for FLT4-related condition. Last evaluated: 2026-06-30. Review status: criteria provided, single submitter. Criteria: ACMG Guidelines, 2015. Collection method: clinical testing. Allele origin: germline.
Comment: The FLT4 c.3341C>T variant is predicted to result in the amino acid substitution p.Pro1114Leu. This variant has been reported in multiple patients with hereditary lymphedema and is reported to affect normal protein function (Ferrell et al. 1998. PubMed ID: 9817924, referred to as G->A transition at nucleotide position 3360; Karkkainen et al. 2000. PubMed ID: 10835628; Liu et al. 2021. PubMed ID: 34681005). This variant has not been reported in a large population database, indicating this variant is rare. At PreventionGenetics, we previously identified this variant in several other patients with lymphedema. This variant is interpreted as likely pathogenic.

GeneDx
Classification: Likely pathogenic. Last evaluated: 2025-03-13. Review status: criteria provided, single submitter. Criteria: GeneDx Variant Classification Process June 2021. Collection method: clinical testing. Allele origin: germline.
Comment: Published functional studies suggest a lack of tyrosine-kinase activity (PMID: 10835628); In silico analysis supports that this missense variant has a deleterious effect on protein structure/function; Not observed at significant frequency in large population cohorts (gnomAD); This variant is associated with the following publications: (PMID: 23074044, 24167460, 11114740, 9817924, 34681005, 10835628, 39691059)

OMIM
Classification: Pathogenic for LYMPHATIC MALFORMATION 1. Last evaluated: 2000-06-01. Review status: no assertion criteria provided. Collection method: literature only. Allele origin: germline. Not counted in ClinVar's aggregate classification.

Literature cited by the submitters: PubMed 10835628 (cited by OMIM); PubMed 9817924 (cited by OMIM).

NM_182925.5(FLT4):c.3341C>T (p.Pro1114Leu)

Gene: FLT4 (fms related receptor tyrosine kinase 4; minus strand). Cytogenetic location: 5q35.3.
Variant type: single nucleotide variant.
Coding change: c.3341C>T on transcript NM_182925.5 (MANE Select); coding-DNA position 3341, C replaced by T.
Protein change: p.Pro1114Leu; replaces proline 1114 with leucine.
Molecular consequence: missense variant.
Genome position (GRCh38, 1-based): chr5:180,613,101, G>A on the plus strand (C>T on the coding strand, the complement: FLT4 is on the minus strand). VCF-style: chr5-180613101-G-A. GRCh37 (hg19) VCF-style: chr5-180040101-G-A.
Other names: c.3341C>T (NM_182925.4); c.3341C>T, p.Pro1114Leu (NM_001354989.2, NM_002020.5); short protein forms P1114L.
Identifiers: ClinVar variation 16262 (VCV000016262.4), dbSNP rs121909652, ClinGen allele CA257467.
Genomic context (GRCh38, chr5:180,613,101, plus strand): 5'-ATCCTTGTGCCGTCTCTCAGCCGCTGGCAGAACTCCTCATTGATCTGCACCCCAGGGTAC[G>A]GGGAGGCCCCTGACAACAGGAAGGGGAGGTGGGTGGGGAGCAAGCCTCCTGCGGCTCAGC-3'
Protein context (NP_891555.2, residues 1104-1124): LWEIFSLGAS[Pro1114Leu]YPGVQINEEF